The following is an entry in ClinVar:

NM_003922.4(HERC1):c.5314T>C (p.Leu1772=)

Gene: HERC1 (HECT and RLD domain containing E3 ubiquitin protein ligase family member 1; minus strand). Cytogenetic location: 15q22.31.
Variant type: single nucleotide variant.
Coding change: c.5314T>C on transcript NM_003922.4 (MANE Select); coding-DNA position 5314, T replaced by C.
Protein change: p.Leu1772=; no amino-acid change (leucine 1772 retained).
Molecular consequence: synonymous variant.
Genome position (GRCh38, 1-based): chr15:63,694,478, A>G on the plus strand (T>C on the coding strand, the complement: HERC1 is on the minus strand). VCF-style: chr15-63694478-A-G. GRCh37 (hg19) VCF-style: chr15-63986677-A-G.
Identifiers: ClinVar variation 744621 (VCV000744621.39), dbSNP rs371264866, ClinGen allele CA7605562.

ClinVar aggregate classification (germline): Likely benign. Review status: criteria provided, multiple submitters, no conflicts (2 of 4 stars). 3 submissions from 3 submitters: Likely benign (3). Last evaluated 2026-03-01.

Allele frequency attached by ClinVar (database versions not stated): TOPMed 0.00024; gnomAD 0.00025 and 0.00027; gnomAD exomes 0.00034 and 0.00054; ExAC 0.00039; ESP Exome Variant Server 0.00066.
gnomAD v4.1: 805 of 1,613,934 alleles (0.05%); highest among the groups gnomAD compares: Non-Finnish European, 0.066%; no homozygotes.

Submissions (3):

CeGaT Center for Human Genetics Tuebingen
Classification: Likely benign. Last evaluated: 2026-03-01. Review status: criteria provided, single submitter. Criteria: CeGaT Center For Human Genetics Tuebingen Variant Classification Criteria Version 2. Collection method: clinical testing. Allele origin: germline. Affected: yes. Observed: 3 variant alleles.
Comment: HERC1: BP4, BP7

Labcorp Genetics (formerly Invitae), Labcorp
Classification: Likely benign. Last evaluated: 2026-01-05. Review status: criteria provided, single submitter. Criteria: Invitae Variant Classification Sherloc (09022015). Collection method: clinical testing. Allele origin: germline.

Breakthrough Genomics
Classification: Likely benign. Review status: criteria provided, single submitter. Criteria: ACMG Guidelines, 2015. Collection method: not provided. Allele origin: germline. Inheritance: Autosomal recessive inheritance. Affected: yes.